The following is an entry in ClinVar:

ClinVar aggregate classification (germline): Benign/Likely benign. Review status: criteria provided, multiple submitters, no conflicts (2 of 4 stars). 4 submissions from 4 submitters: Benign (1); Likely benign (3). Last evaluated 2025-10-29.

Conditions:
Hereditary cancer-predisposing syndrome. Also called: Tumor predisposition; Hereditary neoplastic syndrome; Neoplastic Syndromes, Hereditary; Hereditary Cancer Syndrome. Identifiers: Orphanet 140162, MedGen C0027672, MeSH D009386, MONDO:0015356.
Familial cancer of breast. Also called: Hereditary breast cancer; BREAST CANCER, FAMILIAL; hereditary breast carcinoma. Identifiers: Orphanet 227535, MedGen C0346153, MONDO:0016419, OMIM 114480. Disease mechanism: loss of function.
Ataxia-telangiectasia syndrome (AT). Also called: Ataxia-telangiectasia, complementation group D; AT, COMPLEMENTATION GROUP C; ATAXIA-TELANGIECTASIA, COMPLEMENTATION GROUP A; ATAXIA-TELANGIECTASIA, FRESNO VARIANT; Ataxia-telangiectasia; LOUIS-BAR SYNDROME. Identifiers: Orphanet 100, MedGen C0004135, MONDO:0008840, OMIM 208900.

Allele frequency attached by ClinVar (database versions not stated): gnomAD 0.00001; TOPMed below 0.00001.
gnomAD v4.1: 1 of 1,613,816 alleles (0.000062%); highest among the groups gnomAD compares: Admixed American, 0.0017%; no homozygotes.

Submissions (4):

Labcorp Genetics (formerly Invitae), Labcorp
Classification: Likely benign for Ataxia-telangiectasia syndrome. Last evaluated: 2025-10-29. Review status: criteria provided, single submitter. Criteria: Invitae Variant Classification Sherloc (09022015). Collection method: clinical testing. Allele origin: germline.

Myriad Genetics, Inc.
Classification: Benign for Familial cancer of breast. Last evaluated: 2024-06-19. Review status: criteria provided, single submitter. Criteria: Myriad Autosomal Dominant, Autosomal Recessive and X-Linked Classification Criteria (2023). Collection method: clinical testing. Allele origin: unknown.
Comment: This variant is considered benign. This variant is a silent/synonymous amino acid change and it is not expected to impact splicing.

Women's Health and Genetics/Laboratory Corporation of America, LabCorp
Classification: Likely benign. Last evaluated: 2022-09-24. Review status: criteria provided, single submitter. Criteria: LabCorp Variant Classification Summary - May 2015. Collection method: clinical testing. Allele origin: germline.

Ambry Genetics
Classification: Likely benign for Hereditary cancer-predisposing syndrome. Last evaluated: 2016-09-19. Review status: criteria provided, single submitter. Criteria: Ambry Variant Classification Scheme 2023. Collection method: clinical testing. Allele origin: germline.

NM_000051.4(ATM):c.8385T>C (p.Asp2795=)

Genes: ATM (ATM serine/threonine kinase; plus strand), C11orf65 (chromosome 11 open reading frame 65; minus strand). Cytogenetic location: 11q22.3.
Variant type: single nucleotide variant.
Coding change: c.8385T>C on transcript NM_000051.4 (MANE Select); coding-DNA position 8385, T replaced by C.
Protein change: p.Asp2795=; no amino-acid change (aspartic acid 2795 retained).
Molecular consequence: synonymous variant. On other transcripts: intron variant (2).
Genome position (GRCh38, 1-based): chr11:108,343,338, T>C. VCF-style: chr11-108343338-T-C. GRCh37 (hg19) VCF-style: chr11-108214065-T-C.
Other names: c.8385T>C, p.Asp2795= (NM_001351834.2); c.641-34267A>G (NM_001330368.2); c.695-8046A>G (NM_001351110.2).
Identifiers: ClinVar variation 766047 (VCV000766047.15), dbSNP rs1251164631, ClinGen allele CA476672736.